The following is an entry in ClinVar:

ClinVar aggregate classification (germline): Uncertain significance. Review status: criteria provided, multiple submitters, no conflicts (2 of 4 stars). 2 submissions from 2 submitters: Uncertain significance (2). Last evaluated 2024-01-30.

Conditions:
Joubert syndrome 13 (JBTS13). Identifiers: Orphanet 475, MedGen C3280031, MONDO:0013608, OMIM 614173.
Inborn genetic diseases. Identifiers: MedGen C0950123, MeSH D030342.

Allele frequency attached by ClinVar (database versions not stated): ExAC 0.00003; gnomAD exomes 0.00001; gnomAD 0.00003; TOPMed 0.00001.
gnomAD v4.1: 26 of 1,613,808 alleles (0.0016%); highest among the groups gnomAD compares: East Asian, 0.0045%; no homozygotes.

Submissions (2):

Ambry Genetics
Classification: Uncertain significance for Inborn genetic diseases. Last evaluated: 2024-01-30. Review status: criteria provided, single submitter. Criteria: Ambry Variant Classification Scheme 2023. Collection method: clinical testing. Allele origin: germline.

Genetics Laboratory, Department of Biology, Semnan University
Classification: Uncertain significance for Joubert syndrome 13. Last evaluated: 2017-07-22. Review status: criteria provided, single submitter. Criteria: ACMG Guidelines, 2015. Collection method: research. Allele origin: germline. Inheritance: Autosomal recessive inheritance. Affected: no. Observed: 1 variant allele, 1 heterozygote.
Comment: The identified variant leads to the substitution of Phenylalanine 533 with Tyrosine (F533Y) in the TCTN1 protein. Hence, this substitution could alter the amino acid sequence and could leads to a decreased function of mutated protein.

Literature cited by the submitters: DOI 10.1038/ejhg.2014.160 (cited by Genetics Laboratory, Department of Biology, Semnan University).

NM_001082538.3(TCTN1):c.1760T>A (p.Phe587Tyr)

Gene: TCTN1 (tectonic family member 1; plus strand). Cytogenetic location: 12q24.11.
Variant type: single nucleotide variant.
Coding change: c.1760T>A on transcript NM_001082538.3 (MANE Select); coding-DNA position 1760, T replaced by A.
Protein change: p.Phe587Tyr; replaces phenylalanine 587 with tyrosine.
Molecular consequence: missense variant. On other transcripts: non-coding transcript variant (1).
Genome position (GRCh38, 1-based): chr12:110,647,873, T>A. VCF-style: chr12-110647873-T-A. GRCh37 (hg19) VCF-style: chr12-111085678-T-A.
Other names: c.1745T>A, p.Phe582Tyr (NM_001082537.3); c.1577T>A, p.Phe526Tyr (NM_001173975.3); c.1433T>A, p.Phe478Tyr (NM_001173976.2); c.1598T>A, p.Phe533Tyr (NM_001319680.2); c.1211T>A, p.Phe404Tyr (NM_001319681.2); c.1703T>A, p.Phe568Tyr (NM_024549.6); short protein forms F478Y, F582Y, F587Y, F404Y, F526Y, F533Y, F568Y.
Identifiers: ClinVar variation 3175378 (VCV003175378.2), dbSNP rs1482540986, ClinGen allele CA6786994.